The following is an entry in ClinVar:

ClinVar aggregate classification (germline): Uncertain significance (1 of 4 stars; one submission).

Conditions:
Charcot-Marie-Tooth disease type 2. Also called: Charcot-Marie-Tooth type 2. Identifiers: Orphanet 64746, MedGen C0270914, MONDO:0018993.

Allele frequency attached by ClinVar (database versions not stated): gnomAD exomes below 0.00001.
gnomAD v4.1: 1 of 1,614,172 alleles (0.000062%); highest among the groups gnomAD compares: South Asian, 0.0011%; no homozygotes.

Submission:

Labcorp Genetics (formerly Invitae), Labcorp
Classification: Uncertain significance for Charcot-Marie-Tooth disease type 2. Last evaluated: 2022-11-03. Review status: criteria provided, single submitter. Criteria: Invitae Variant Classification Sherloc (09022015). Collection method: clinical testing. Allele origin: germline.
Comment: Advanced modeling of protein sequence and biophysical properties (such as structural, functional, and spatial information, amino acid conservation, physicochemical variation, residue mobility, and thermodynamic stability) performed at Invitae indicates that this missense variant is not expected to disrupt AARS protein function. In summary, the available evidence is currently insufficient to determine the role of this variant in disease. Therefore, it has been classified as a Variant of Uncertain Significance. This variant has not been reported in the literature in individuals affected with AARS-related conditions. This variant is present in population databases (no rsID available, gnomAD 0.003%). This sequence change replaces glutamine, which is neutral and polar, with arginine, which is basic and polar, at codon 206 of the AARS protein (p.Gln206Arg).

NM_001605.3(AARS1):c.617A>G (p.Gln206Arg)

Gene: AARS1 (alanyl-tRNA synthetase 1; minus strand). Cytogenetic location: 16q22.1.
Variant type: single nucleotide variant.
Coding change: c.617A>G on transcript NM_001605.3 (MANE Select); coding-DNA position 617, A replaced by G.
Protein change: p.Gln206Arg; replaces glutamine 206 with arginine.
Molecular consequence: missense variant.
Genome position (GRCh38, 1-based): chr16:70,271,835, T>C on the plus strand (A>G on the coding strand, the complement: AARS1 is on the minus strand). VCF-style: chr16-70271835-T-C. GRCh37 (hg19) VCF-style: chr16-70305738-T-C.
Other names: short protein forms Q206R.
Identifiers: ClinVar variation 2811773 (VCV002811773.3), dbSNP rs1252533701, ClinGen allele CA396566585.